The following is an entry in ClinVar:

NM_004519.4(KCNQ3):c.1067C>T (p.Ala356Val)

Gene: KCNQ3 (potassium voltage-gated channel subfamily Q member 3; minus strand). Cytogenetic location: 8q24.22.
Variant type: single nucleotide variant.
Coding change: c.1067C>T on transcript NM_004519.4 (MANE Select); coding-DNA position 1067, C replaced by T.
Protein change: p.Ala356Val; replaces alanine 356 with valine.
Molecular consequence: missense variant.
Genome position (GRCh38, 1-based): chr8:132,172,671, G>A on the plus strand (C>T on the coding strand, the complement: KCNQ3 is on the minus strand). VCF-style: chr8-132172671-G-A. GRCh37 (hg19) VCF-style: chr8-133184918-G-A.
Other names: c.707C>T, p.Ala236Val (NM_001204824.2); short protein forms A356V, A236V.
Identifiers: ClinVar variation 432744 (VCV000432744.2), dbSNP rs1554627025, ClinGen allele CA372289983.
Genomic context (GRCh38, chr8:132,172,671, plus strand): 5'-GCAGCTGGCTTCCTCCTTTTCTCAAAGTGCTTCTGACGGTGTTGCTCCTGCACCTTGAGG[G>A]CCAGCCCGGACCCCAGGATGCCCTGGAGGGAGAGGCAGGCAGGCAGTCAGCCCCCAGCTA-3'
Protein context (NP_004510.1, residues 346-366): LPAGILGSGL[Ala356Val]LKVQEQHRQK

ClinVar aggregate classification (germline): Likely pathogenic (1 of 4 stars; one submission).

Submission:

GeneDx
Classification: Likely pathogenic. Last evaluated: 2017-06-15. Review status: criteria provided, single submitter. Criteria: GeneDx Variant Classification (06012015). Collection method: clinical testing. Allele origin: germline. Affected: yes.
Comment: The A356V variant in the KCNQ3 gene has not been reported previously as a pathogenic variant, nor as a benign variant, to our knowledge. The A356V variant is not observed in large population cohorts (Lek et al., 2016; 1000 Genomes Consortium et al., 2015; Exome Variant Server). The A356V variant is a conservative amino acid substitution and occurs at a position that is conserved across species. Additionally, in silico analysis predicts this variant is probably damaging to the protein structure/function. We interpret A356V as a likely pathogenic variant.